The following is an entry in ClinVar:

ClinVar aggregate classification (germline): Uncertain significance (1 of 4 stars; one submission).

Conditions:
Hereditary cancer-predisposing syndrome. Also called: Neoplastic Syndromes, Hereditary; Tumor predisposition; Hereditary Cancer Syndrome; Hereditary neoplastic syndrome. Identifiers: Orphanet 140162, MedGen C0027672, MeSH D009386, MONDO:0015356.

Submission:

Ambry Genetics
Classification: Uncertain significance for Hereditary cancer-predisposing syndrome. Last evaluated: 2026-02-03. Review status: criteria provided, single submitter. Criteria: Ambry Variant Classification Scheme 2023. Collection method: clinical testing. Allele origin: germline.
Comment: The p.R123C variant (also known as c.367C>T), located in coding exon 1 of the HOXB13 gene, results from a C to T substitution at nucleotide position 367. The arginine at codon 123 is replaced by cysteine, an amino acid with highly dissimilar properties. This amino acid position is highly conserved in available vertebrate species. In addition, the in silico prediction for this alteration is inconclusive. Based on the available evidence, the clinical significance of this variant remains unclear.

NM_006361.6(HOXB13):c.367C>T (p.Arg123Cys)

Gene: HOXB13 (homeobox B13; minus strand). Cytogenetic location: 17q21.32.
Variant type: single nucleotide variant.
Coding change: c.367C>T on transcript NM_006361.6 (MANE Select); coding-DNA position 367, C replaced by T.
Protein change: p.Arg123Cys; replaces arginine 123 with cysteine.
Molecular consequence: missense variant.
Genome position (GRCh38, 1-based): chr17:48,728,227, G>A on the plus strand (C>T on the coding strand, the complement: HOXB13 is on the minus strand). VCF-style: chr17-48728227-G-A. GRCh37 (hg19) VCF-style: chr17-46805589-G-A.
Other names: short protein forms R123C.
Identifiers: ClinVar variation 4844722 (VCV004844722.1).